The following is an entry in ClinVar:

NM_015542.4(UPF2):c.1561G>C (p.Glu521Gln)

Gene: UPF2 (UPF2 regulator of nonsense mediated mRNA decay; minus strand). Cytogenetic location: 10p14.
Variant type: single nucleotide variant.
Coding change: c.1561G>C on transcript NM_015542.4 (MANE Select); coding-DNA position 1561, G replaced by C.
Protein change: p.Glu521Gln; replaces glutamic acid 521 with glutamine.
Molecular consequence: missense variant.
Genome position (GRCh38, 1-based): chr10:12,001,769, C>G on the plus strand (G>C on the coding strand, the complement: UPF2 is on the minus strand). VCF-style: chr10-12001769-C-G. GRCh37 (hg19) VCF-style: chr10-12043768-C-G.
Other names: c.1561G>C, p.Glu521Gln (NM_080599.3); short protein forms E521Q.
Identifiers: ClinVar variation 774208 (VCV000774208.29), dbSNP rs118004016, ClinGen allele CA5407073.

ClinVar aggregate classification (germline): Benign/Likely benign. Review status: criteria provided, multiple submitters, no conflicts (2 of 4 stars). 3 submissions from 3 submitters: Benign (1); Likely benign (2). Last evaluated 2022-07-01.

Allele frequency attached by ClinVar (database versions not stated): ExAC 0.00472; ESP Exome Variant Server 0.00523; 1000 Genomes Project 0.00180; 1000 Genomes Project 30x 0.00234; TOPMed 0.00390; gnomAD 0.00399 and 0.00411; gnomAD exomes 0.00419.
gnomAD v4.1: 9,465 of 1,612,660 alleles (0.59%); highest among the groups gnomAD compares: Non-Finnish European, 0.73%; 35 homozygotes.

Submissions (3):

CeGaT Center for Human Genetics Tuebingen
Classification: Benign. Last evaluated: 2022-07-01. Review status: criteria provided, single submitter. Criteria: CeGaT Center For Human Genetics Tuebingen Variant Classification Criteria Version 2. Collection method: clinical testing. Allele origin: germline. Affected: yes. Observed: 1 variant allele.
Comment: UPF2: BS1, BS2

Labcorp Genetics (formerly Invitae), Labcorp
Classification: Likely benign. Last evaluated: 2019-12-31. Review status: criteria provided, single submitter. Criteria: Invitae Variant Classification Sherloc (09022015). Collection method: clinical testing. Allele origin: germline.

Breakthrough Genomics
Classification: Likely benign. Review status: criteria provided, single submitter. Criteria: ACMG Guidelines, 2015. Collection method: not provided. Allele origin: germline. Inheritance: Unknown mechanism. Affected: yes.